The following is an entry in ClinVar:

ClinVar aggregate classification (germline): Uncertain significance (1 of 4 stars; one submission).

Conditions:
Congenital sideroblastic anemia-B-cell immunodeficiency-periodic fever-developmental delay syndrome. Also called: Sideroblastic anemia with B-cell immunodeficiency, periodic fevers, and developmental delay. Identifiers: Orphanet 369861, MedGen C4015172, MONDO:0014487, OMIM 616084.

Allele frequency attached by ClinVar (database versions not stated): TOPMed 0.00001; gnomAD 0.00001.
gnomAD v4.1: 1 of 1,579,816 alleles (0.000063%); highest among the groups gnomAD compares: Non-Finnish European, 0.000087%; no homozygotes.

Submission:

Labcorp Genetics (formerly Invitae), Labcorp
Classification: Uncertain significance for Congenital sideroblastic anemia-B-cell immunodeficiency-periodic fever-developmental delay syndrome. Last evaluated: 2022-09-13. Review status: criteria provided, single submitter. Criteria: Invitae Variant Classification Sherloc (09022015). Collection method: clinical testing. Allele origin: germline.
Comment: This sequence change replaces histidine, which is basic and polar, with leucine, which is neutral and non-polar, at codon 186 of the TRNT1 protein (p.His186Leu). This variant is not present in population databases (gnomAD no frequency). This variant has not been reported in the literature in individuals affected with TRNT1-related conditions. ClinVar contains an entry for this variant (Variation ID: 642730). Advanced modeling of protein sequence and biophysical properties (such as structural, functional, and spatial information, amino acid conservation, physicochemical variation, residue mobility, and thermodynamic stability) performed at Invitae indicates that this missense variant is not expected to disrupt TRNT1 protein function. In summary, the available evidence is currently insufficient to determine the role of this variant in disease. Therefore, it has been classified as a Variant of Uncertain Significance.

NM_182916.3(TRNT1):c.557A>T (p.His186Leu)

Gene: TRNT1 (tRNA nucleotidyl transferase 1; plus strand). Cytogenetic location: 3p26.2.
Variant type: single nucleotide variant.
Coding change: c.557A>T on transcript NM_182916.3 (MANE Select); coding-DNA position 557, A replaced by T.
Protein change: p.His186Leu; replaces histidine 186 with leucine.
Molecular consequence: missense variant. On other transcripts: non-coding transcript variant (8).
Genome position (GRCh38, 1-based): chr3:3,144,659, A>T. VCF-style: chr3-3144659-A-T. GRCh37 (hg19) VCF-style: chr3-3186343-A-T.
Other names: c.557A>T, p.His186Leu (LRG_1314t1, NM_001302946.2, NM_001367321.1 and 2 more transcripts); short protein forms H186L.
Identifiers: ClinVar variation 642730 (VCV000642730.3), dbSNP rs1433500811, ClinGen allele CA351445212.